The following is an entry in ClinVar:

ClinVar aggregate classification (germline): Likely benign (1 of 4 stars; one submission).

Submission:

Mayo Clinic Laboratories, Mayo Clinic
Classification: Likely benign. Last evaluated: 2025-03-10. Review status: criteria provided, single submitter. Criteria: ACMG Guidelines, 2015. Collection method: clinical testing. Allele origin: germline. Observed: 1 variant allele.
Comment: BP4, BP7

NM_003321.5(TUFM):c.471T>C (p.Asn157=)

Gene: TUFM (Tu translation elongation factor, mitochondrial; minus strand). Cytogenetic location: 16p11.2.
Variant type: single nucleotide variant.
Coding change: c.471T>C on transcript NM_003321.5 (MANE Select); coding-DNA position 471, T replaced by C.
Protein change: p.Asn157=; no amino-acid change (asparagine 157 retained).
Molecular consequence: synonymous variant.
Genome position (GRCh38, 1-based): chr16:28,844,999, A>G on the plus strand (T>C on the coding strand, the complement: TUFM is on the minus strand). VCF-style: chr16-28844999-A-G. GRCh37 (hg19) VCF-style: chr16-28856320-A-G.
Other names: p.Asn157=; c.471T>C, p.Asn157= (NM_001365360.2).
Identifiers: ClinVar variation 4684086 (VCV004684086.1).
Genomic context (GRCh38, chr16:28,844,999, plus strand): 5'-GGCTCTGAGTACCTGTCTGGCCAGTAATAAGTGCTCTCGGGTCTGGGGCATGGGGCCGTC[A>G]TTGGCTGCTACCACCAGGATGCAGCCGTCGAGGGGTGCAGTGCCTGTGATCATATTCTGG-3'
Protein context (NP_003312.3, residues 147-167): LDGCILVVAA[Asn157=]DGPMPQTREH